The following is an entry in ClinVar:

ClinVar aggregate classification (germline): Likely benign. Review status: criteria provided, multiple submitters, no conflicts (2 of 4 stars). 4 submissions from 4 submitters: Likely benign (4). Last evaluated 2026-09-21.

Conditions:
Hypertrophic cardiomyopathy. Also called: HYPERTROPHIC MYOCARDIOPATHY. Identifiers: Orphanet 217569, MedGen C0007194, MeSH D002312, MONDO:0005045, HP:0001639.
Cardiovascular phenotype. Identifiers: MedGen CN230736.

Allele frequency attached by ClinVar (database versions not stated): gnomAD exomes below 0.00001 and 0.00001; TOPMed below 0.00001; ExAC 0.00001.
gnomAD v4.1: 3 of 1,614,118 alleles (0.00019%); highest among the groups gnomAD compares: Admixed American, 0.0033%; no homozygotes.

Submissions (4):

Molecular Diagnostic Laboratory for Inherited Cardiovascular Disease, Montreal Heart Institute
Classification: Likely benign. Last evaluated: 2026-09-21. Review status: criteria provided, single submitter. Criteria: ACMG Guidelines, 2015. Collection method: clinical testing. Allele origin: germline. Affected: no.
Comment: BP7

CeGaT Center for Human Genetics Tuebingen
Classification: Likely benign. Last evaluated: 2026-09-01. Review status: criteria provided, single submitter. Criteria: CeGaT Center For Human Genetics Tuebingen Variant Classification Criteria Version 2. Collection method: clinical testing. Allele origin: germline. Affected: yes. Observed: 3 variant alleles.
Comment: MYH7: BP4, BP7

Labcorp Genetics (formerly Invitae), Labcorp
Classification: Likely benign for Hypertrophic cardiomyopathy. Last evaluated: 2021-11-09. Review status: criteria provided, single submitter. Criteria: Invitae Variant Classification Sherloc (09022015). Collection method: clinical testing. Allele origin: germline.

Ambry Genetics
Classification: Likely benign for Cardiovascular phenotype. Last evaluated: 2021-05-09. Review status: criteria provided, single submitter. Criteria: Ambry Variant Classification Scheme 2023. Collection method: clinical testing. Allele origin: germline.

NM_000257.4(MYH7):c.5619A>G (p.Leu1873=)

Gene: MYH7 (myosin heavy chain 7; minus strand). Cytogenetic location: 14q11.2.
Variant type: single nucleotide variant.
Coding change: c.5619A>G on transcript NM_000257.4 (MANE Select); coding-DNA position 5619, A replaced by G.
Protein change: p.Leu1873=; no amino-acid change (leucine 1873 retained).
Molecular consequence: synonymous variant.
Genome position (GRCh38, 1-based): chr14:23,414,043, T>C on the plus strand (A>G on the coding strand, the complement: MYH7 is on the minus strand). VCF-style: chr14-23414043-T-C. GRCh37 (hg19) VCF-style: chr14-23883252-T-C.
Other names: c.5619A>G (NM_000257.3).
Identifiers: ClinVar variation 1160399 (VCV001160399.13), dbSNP rs749320297, ClinGen allele CA047658.